The following is an entry in ClinVar:

NM_006445.4(PRPF8):c.6446_6447insCAC (p.Pro2149_Gln2150insThr)

Gene: PRPF8 (pre-mRNA processing factor 8; minus strand). Cytogenetic location: 17p13.3.
Variant type: Insertion.
Coding change: c.6446_6447insCAC on transcript NM_006445.4 (MANE Select); coding-DNA positions 6446 to 6447, CAC inserted.
Protein change: p.Pro2149_Gln2150insThr.
Molecular consequence: inframe insertion.
Genome position: GRCh38 VCF-style: chr17-1651711-C-CGTG. GRCh37 (hg19) VCF-style: chr17-1555005-C-CGTG.
Identifiers: ClinVar variation 866796 (VCV000866796.10), dbSNP rs1911082583, ClinGen allele CA916083515.
Genomic context (GRCh38, chr17:1,651,711, plus strand): 5'-GAGGTACTCATGCTGGGGCAGCTGGCCAGGCAGGTGCACGGTCTGGTGAGTGCCCCACTG[C>CGTG]GGCACCATCACAATGCAGCGGATCTCCTTCACCTGGGGGTTATCTGGTGGGCTCACCCCA-3'

ClinVar aggregate classification (germline): Uncertain significance. Review status: criteria provided, multiple submitters, no conflicts (2 of 4 stars). 2 submissions from 2 submitters: Uncertain significance (2). Last evaluated 2022-03-29.

Submissions (2):

Labcorp Genetics (formerly Invitae), Labcorp
Classification: Uncertain significance. Last evaluated: 2022-03-29. Review status: criteria provided, single submitter. Criteria: Invitae Variant Classification Sherloc (09022015). Collection method: clinical testing. Allele origin: germline.
Comment: Experimental studies and prediction algorithms are not available or were not evaluated, and the functional significance of this variant is currently unknown. In summary, the available evidence is currently insufficient to determine the role of this variant in disease. Therefore, it has been classified as a Variant of Uncertain Significance. ClinVar contains an entry for this variant (Variation ID: 866796). This variant has not been reported in the literature in individuals affected with PRPF8-related conditions. This variant is not present in population databases (gnomAD no frequency). This variant, c.6446_6447insCAC, results in the insertion of 1 amino acid(s) of the PRPF8 protein (p.Pro2149_Gln2150insThr), but otherwise preserves the integrity of the reading frame.

Blueprint Genetics
Classification: Uncertain significance. Last evaluated: 2018-08-02. Review status: criteria provided, single submitter. Criteria: ACMG Guidelines, 2015. Collection method: clinical testing. Allele origin: germline.